The following is an entry in ClinVar:

NM_000168.6(GLI3):c.4649T>C (p.Leu1550Pro)

Gene: GLI3 (GLI family zinc finger 3; minus strand). Cytogenetic location: 7p14.1.
Variant type: single nucleotide variant.
Coding change: c.4649T>C on transcript NM_000168.6 (MANE Select); coding-DNA position 4649, T replaced by C.
Protein change: p.Leu1550Pro; replaces leucine 1550 with proline.
Molecular consequence: missense variant.
Genome position (GRCh38, 1-based): chr7:41,964,424, A>G on the plus strand (T>C on the coding strand, the complement: GLI3 is on the minus strand). VCF-style: chr7-41964424-A-G. GRCh37 (hg19) VCF-style: chr7-42004022-A-G.
Other names: short protein forms L1550P.
Identifiers: ClinVar variation 659014 (VCV000659014.24), dbSNP rs756335435, ClinGen allele CA4230082.

ClinVar aggregate classification (germline): Likely benign. Review status: criteria provided, multiple submitters, no conflicts (2 of 4 stars). 5 submissions from 5 submitters: Likely benign (5). Last evaluated 2025-12-01.

Conditions:
Inborn genetic diseases. Identifiers: MedGen C0950123, MeSH D030342.
Pallister-Hall syndrome (PHS). Also called: HYPOTHALAMIC HAMARTOBLASTOMA, HYPOPITUITARISM, IMPERFORATE ANUS, AND POSTAXIAL POLYDACTYLY; GLI3-Related Pallister-Hall Syndrome. Identifiers: Orphanet 672, MedGen C0265220, MONDO:0007804, OMIM 146510.
Greig cephalopolysyndactyly syndrome (GCPS). Also called: POLYSYNDACTYLY WITH PECULIAR SKULL SHAPE; Greig syndrome; GLI3-Related Greig Cephalopolysyndactyly Syndrome. Identifiers: Orphanet 380, MedGen C0265306, MONDO:0008287, OMIM 175700.

Allele frequency attached by ClinVar (database versions not stated): ExAC 0.00002; gnomAD exomes 0.00003 and 0.00005; TOPMed 0.00006; gnomAD 0.00007 and 0.00008.
gnomAD v4.1: 82 of 1,612,504 alleles (0.0051%); highest among the groups gnomAD compares: Middle Eastern, 0.082%; no homozygotes.

Submissions (5):

CeGaT Center for Human Genetics Tuebingen
Classification: Likely benign. Last evaluated: 2025-12-01. Review status: criteria provided, single submitter. Criteria: CeGaT Center For Human Genetics Tuebingen Variant Classification Criteria Version 2. Collection method: clinical testing. Allele origin: germline. Affected: yes. Observed: 2 variant alleles.
Comment: GLI3: BP4

Blueprint Genetics
Classification: Likely benign. Last evaluated: 2024-11-25. Review status: criteria provided, single submitter. Criteria: ACMG Guidelines, 2015. Collection method: clinical testing. Allele origin: germline.

Labcorp Genetics (formerly Invitae), Labcorp
Classification: Likely benign for Pallister-Hall syndrome; Greig cephalopolysyndactyly syndrome. Last evaluated: 2024-11-19. Review status: criteria provided, single submitter. Criteria: Invitae Variant Classification Sherloc (09022015). Collection method: clinical testing. Allele origin: germline.

Ambry Genetics
Classification: Likely benign for Inborn genetic diseases. Last evaluated: 2022-03-14. Review status: criteria provided, single submitter. Criteria: Ambry Variant Classification Scheme 2023. Collection method: clinical testing. Allele origin: germline.

Breakthrough Genomics
Classification: Likely benign. Review status: criteria provided, single submitter. Criteria: ACMG Guidelines, 2015. Collection method: not provided. Allele origin: germline. Inheritance: Autosomal dominant inheritance. Affected: yes.